The following is an entry in ClinVar:

ClinVar aggregate classification (germline): Uncertain significance (1 of 4 stars; one submission).

gnomAD v4.1: 3 of 1,613,602 alleles (0.00019%); highest among the groups gnomAD compares: Admixed American, 0.005%; no homozygotes.

Submission:

Women's Health and Genetics/Laboratory Corporation of America, LabCorp
Classification: Uncertain significance. Last evaluated: 2025-09-25. Review status: criteria provided, single submitter. Criteria: LabCorp Variant Classification Summary - May 2015. Collection method: clinical testing. Allele origin: germline.
Comment: Variant summary: SPEN c.10105T>G (p.Cys3369Gly) results in a non-conservative amino acid change in the encoded protein sequence. Algorithms developed to predict the effect of missense changes on protein structure and function are either unavailable or do not agree on the potential impact of this missense change. The variant allele was found at a frequency of 1.6e-05 in 250566 control chromosomes. The available data on variant occurrences in the general population are insufficient to allow any conclusion about variant significance. To our knowledge, no occurrence of c.10105T>G in individuals affected with SPEN-related conditions and no experimental evidence demonstrating its impact on protein function have been reported. No submitters have cited clinical-significance assessments for this variant to ClinVar. Based on the evidence outlined above, the variant was classified as uncertain significance.

NM_015001.3(SPEN):c.10105T>G (p.Cys3369Gly)

Gene: SPEN (spen family transcriptional repressor; plus strand). Cytogenetic location: 1p36.13.
Variant type: single nucleotide variant.
Coding change: c.10105T>G on transcript NM_015001.3 (MANE Select); coding-DNA position 10105, T replaced by G.
Protein change: p.Cys3369Gly; replaces cysteine 3369 with glycine.
Molecular consequence: missense variant.
Genome position (GRCh38, 1-based): chr1:15,937,241, T>G. VCF-style: chr1-15937241-T-G. GRCh37 (hg19) VCF-style: chr1-16263736-T-G.
Other names: short protein forms C3369G.
Identifiers: ClinVar variation 4535966 (VCV004535966.1).
Genomic context (GRCh38, chr1:15,937,241, plus strand): 5'-GAGCCCCTGCAGCCTCCTCAGCCTGTGCAGTCCACACAGCCTGCCCAGCCTGCACCACCC[T>G]GCCCGCCCTCCCAGCTCGGTCAGCCCGGCCAGCCACCAAGCAGCAAGATGCCTCAAGTGT-3'
Protein context (NP_055816.2, residues 3359-3379): STQPAQPAPP[Cys3369Gly]PPSQLGQPGQ